The following is an entry in ClinVar:

NM_006493.4(CLN5):c.434C>A (p.Thr145Lys)

Gene: CLN5 (CLN5 lysosomal BMP synthase; plus strand). Cytogenetic location: 13q22.3.
Variant type: single nucleotide variant.
Coding change: c.434C>A on transcript NM_006493.4 (MANE Select); coding-DNA position 434, C replaced by A.
Protein change: p.Thr145Lys; replaces threonine 145 with lysine.
Molecular consequence: missense variant.
Genome position (GRCh38, 1-based): chr13:76,995,996, C>A. VCF-style: chr13-76995996-C-A. GRCh37 (hg19) VCF-style: chr13-77570131-C-A.
Other names: c.434C>A, p.Thr145Lys (NM_001366624.2); short protein forms T145K, T194K.
Identifiers: ClinVar variation 1705835 (VCV001705835.2), dbSNP rs113944597, ClinGen allele CA388309040.

ClinVar aggregate classification (germline): Uncertain significance (1 of 4 stars; one submission).

Conditions:
Neuronal ceroid lipofuscinosis 5 (CLN5). Also called: CLN5-Related Neuronal Ceroid-Lipofuscinosis; CEROID LIPOFUSCINOSIS, NEURONAL, 5, VARIABLE AGE AT ONSET; Neuronal ceroid lipofuscinosis Finnish variant; NEURONAL CEROID LIPOFUSCINOSIS, LATE INFANTILE, FINNISH VARIANT. Identifiers: Orphanet 168491, Orphanet 228360, MedGen C1850442, MONDO:0009745, OMIM 256731.

Submission:

Unidad de Genómica Garrahan, Hospital de Pediatría Garrahan
Classification: Uncertain significance for Neuronal ceroid lipofuscinosis 5. Last evaluated: 2018-11-20. Review status: criteria provided, single submitter. Criteria: ACMG Guidelines, 2015. Collection method: clinical testing. Allele origin: maternal. Affected: yes.
Comment: compound heterozygous